The following is an entry in ClinVar:

ClinVar aggregate classification (germline): Pathogenic (1 of 4 stars; one submission).

Conditions:
Alstrom syndrome (ALMS). Identifiers: Orphanet 64, MedGen C0268425, MONDO:0008763, OMIM 203800.

Submission:

Labcorp Genetics (formerly Invitae), Labcorp
Classification: Pathogenic for Alstrom syndrome. Last evaluated: 2021-08-12. Review status: criteria provided, single submitter. Criteria: Invitae Variant Classification Sherloc (09022015). Collection method: clinical testing. Allele origin: germline.
Comment: This variant is a gross deletion of the genomic region encompassing exon(s) 10-11 of the ALMS1 gene. This deletion is out-of-frame, and is expected to create a premature termination codon and result in an absent or disrupted protein product. Loss-of-function variants in ALMS1 are known to be pathogenic (PMID: 17594715). This variant has not been reported in the literature in individuals affected with ALMS1-related conditions. For these reasons, this variant has been classified as Pathogenic.

Literature cited by the submitters: PubMed 17594715.

NC_000002.11:g.(?_73716751)_(73747153_?)del

Gene: ALMS1 (ALMS1 centrosome and basal body associated protein; plus strand). Cytogenetic location: 2p13.1.
Variant type: Deletion.
Identifiers: ClinVar variation 1070274 (VCV001070274.2).